The following is an entry in ClinVar:

NM_024312.5(GNPTAB):c.441del (p.Asn148fs)

Gene: GNPTAB (N-acetylglucosamine-1-phosphate transferase subunits alpha and beta; minus strand). Cytogenetic location: 12q23.2.
Variant type: Deletion.
Coding change: c.441del on transcript NM_024312.5 (MANE Select); coding-DNA position 441, one base deleted (C; older notation c.441delC).
Protein change: p.Asn148fs; shifts the reading frame from asparagine 148.
Molecular consequence: frameshift variant.
Genome position (GRCh38, 1-based): chr12:101,786,142, G deleted on the plus strand (C on the coding strand, the reverse complement: GNPTAB is on the minus strand); the first of 2 consecutive G bases (chr12:101,786,142-101,786,143); deleting either gives the same sequence. VCF-style (leftmost placement, unchanged base first): chr12-101786141-TG-T. GRCh37 (hg19) VCF-style: chr12-102179919-TG-T.
Other names: c.441delC (NM_024312.4); c.441del (NM_024312.4); short protein forms N148fs.
Identifiers: ClinVar variation 39079 (VCV000039079.16), dbSNP rs281864955, ClinGen allele CA343405.

ClinVar aggregate classification (germline): Pathogenic. Review status: criteria provided, multiple submitters, no conflicts (2 of 4 stars). 7 submissions from 7 submitters: Pathogenic (4). 3 of the submissions do not count toward it. Last evaluated 2025-11-04.

Conditions:
Mucolipidosis type II. Also called: Mucolipidosis 2; ML 2; Inclusion cell disease; Leroy Disease; N-acetylglucosamine 1phosphotransferase deficiency; ML disorder type 2. Identifiers: Orphanet 576, MedGen C2673377, MONDO:0009650, OMIM 252500.
Pseudo-Hurler polydystrophy. Also called: Type III Mucolipidosis; ML IIIA; Mucolipidosis III Alpha/Beta; MUCOLIPIDOSIS IIIA; ML III; ML III ALPHA/BETA. Identifiers: Orphanet 423461, Orphanet 577, MedGen C0033788, MONDO:0018931, OMIM 252600.

Submissions (7):

Kasturba Medical College, Manipal, Kasturba Medical College, Manipal, Manipal Academy of Higher Education, Manipal, India
Classification: Pathogenic for Mucolipidosis type II. Last evaluated: 2025-11-04. Review status: criteria provided, single submitter. Criteria: ACMG Guidelines, 2015. Collection method: research. Allele origin: maternal. Inheritance: Autosomal recessive inheritance. Affected: yes. Observed: 1 heterozygote.
Comment: This variant is observed in heterozygous state in two individuals in our in-house data of 3801 exomes and sixteen individuals in gnomAD database (v4.1.0). This variant is absent in homozygous state in our in-house data of 3801 exomes and gnomAD database (v4.1.0). This variant is predicted to cause shift in the reading frame of the transcript introducing a premature stop codon, which might either cause the transcript to undergo nonsense-mediated mRNA decay or lead to formation of a truncated protein product.

Labcorp Genetics (formerly Invitae), Labcorp
Classification: Pathogenic for Pseudo-Hurler polydystrophy; Mucolipidosis type II. Last evaluated: 2023-12-23. Review status: criteria provided, single submitter. Criteria: Invitae Variant Classification Sherloc (09022015). Collection method: clinical testing. Allele origin: germline.
Comment: This sequence change creates a premature translational stop signal (p.Asn148Thrfs*4) in the GNPTAB gene. It is expected to result in an absent or disrupted protein product. Loss-of-function variants in GNPTAB are known to be pathogenic (PMID: 19617216, 25107912). This variant is present in population databases (rs775347677, gnomAD 0.007%). This premature translational stop signal has been observed in individual(s) with mucolipidosis II (PMID: 19659762). ClinVar contains an entry for this variant (Variation ID: 39079). For these reasons, this variant has been classified as Pathogenic.

Revvity Omics, Revvity
Classification: Pathogenic. Last evaluated: 2023-06-21. Review status: criteria provided, single submitter. Criteria: ACMG Guidelines, 2015. Collection method: clinical testing. Allele origin: germline.

GeneDx
Classification: Pathogenic. Last evaluated: 2023-04-29. Review status: criteria provided, single submitter. Criteria: GeneDx Variant Classification Process June 2021. Collection method: clinical testing. Allele origin: germline. Affected: yes.
Comment: Frameshift variant predicted to result in protein truncation or nonsense mediated decay in a gene for which loss of function is a known mechanism of disease; Not observed at significant frequency in large population cohorts (gnomAD); This variant is associated with the following publications: (PMID: 32651481, 30882951, 19659762)

Natera, Inc.
Classification: Pathogenic for Mucolipidosis type II. Last evaluated: 2020-07-09. Review status: no assertion criteria provided. Collection method: clinical testing. Allele origin: germline. Not counted in ClinVar's aggregate classification.

Counsyl
Classification: Likely pathogenic for Mucolipidosis type II; Pseudo-Hurler polydystrophy. Last evaluated: 2018-04-10. Review status: no assertion criteria provided. Collection method: clinical testing. Allele origin: unknown. Not counted in ClinVar's aggregate classification.

GeneReviews
No classification provided. Condition: Mucolipidosis type II. Review status: no classification provided. Collection method: literature only. Allele origin: unknown. Not counted in ClinVar's aggregate classification.

Literature cited by the submitters: PubMed 32651481 (cited by Kasturba Medical College, Manipal, Kasturba Medical College, Manipal, Manipal Academy of Higher Education, Manipal, India); PubMed 19617216 (cited by Labcorp Genetics (formerly Invitae), Labcorp); PubMed 25107912 (cited by Labcorp Genetics (formerly Invitae), Labcorp); PubMed 19659762 (cited by 3 submitters); PubMed 20301728 (cited by GeneReviews); NCBI Bookshelf NBK1828 (cited by GeneReviews).